The following is an entry in ClinVar:

ClinVar aggregate classification (germline): Likely benign (1 of 4 stars; one submission).

Submission:

CeGaT Center for Human Genetics Tuebingen
Classification: Likely benign. Last evaluated: 2026-06-01. Review status: criteria provided, single submitter. Criteria: CeGaT Center For Human Genetics Tuebingen Variant Classification Criteria Version 2. Collection method: clinical testing. Allele origin: germline. Affected: yes. Observed: 2 variant alleles.
Comment: FMN2: PM2:Supporting, BP4, BP7

NM_020066.5(FMN2):c.3240T>C (p.Leu1080=)

Gene: FMN2 (formin 2; plus strand). Cytogenetic location: 1q43.
Variant type: single nucleotide variant.
Coding change: c.3240T>C on transcript NM_020066.5 (MANE Select); coding-DNA position 3240, T replaced by C.
Protein change: p.Leu1080=; no amino-acid change (leucine 1080 retained).
Molecular consequence: synonymous variant. On other transcripts: intron variant (1).
Genome position (GRCh38, 1-based): chr1:240,208,052, T>C. VCF-style: chr1-240208052-T-C. GRCh37 (hg19) VCF-style: chr1-240371352-T-C.
Other names: c.3252T>C, p.Leu1084= (NM_001305424.2); c.1986+19790T>C (NM_001348094.2).
Identifiers: ClinVar variation 4874312 (VCV004874312.2).
Genomic context (GRCh38, chr1:240,208,052, plus strand): 5'-AGCGGGCATACCTCCTCCACCCCCTCTACCCGGAGCGGGCATACCCCCTCCGCCCCCACT[T>C]CCCGGAGCGGGCATACCCCCACCTCCCCCTCTACCCGGAGCGGGCATACCCCCTCCGCCC-3'
Protein context (NP_064450.3, residues 1070-1090): PGAGIPPPPP[Leu1080=]PGAGIPPPPP